The following is an entry in ClinVar:

NM_000038.6(APC):c.6424A>G (p.Ile2142Val)

Gene: APC (APC regulator of Wnt signaling pathway; plus strand). Cytogenetic location: 5q22.2.
Variant type: single nucleotide variant.
Coding change: c.6424A>G on transcript NM_000038.6 (MANE Select); coding-DNA position 6424, A replaced by G.
Protein change: p.Ile2142Val; replaces isoleucine 2142 with valine.
Molecular consequence: missense variant.
Genome position (GRCh38, 1-based): chr5:112,842,018, A>G. VCF-style: chr5-112842018-A-G. GRCh37 (hg19) VCF-style: chr5-112177715-A-G.
Other names: c.6424A>G, p.Ile2142Val (NM_001127510.3, NM_001354895.2, NM_001407450.1); c.6370A>G, p.Ile2124Val (NM_001127511.3); c.6478A>G, p.Ile2160Val (NM_001354896.2, NM_001407447.1, NM_001407448.1 and 1 more transcripts); c.6454A>G, p.Ile2152Val (NM_001354897.2); c.6349A>G, p.Ile2117Val (NM_001354898.2); c.6340A>G, p.Ile2114Val (NM_001354899.2); c.6301A>G, p.Ile2101Val (NM_001354900.2); c.6247A>G, p.Ile2083Val (NM_001354901.2, NM_001407453.1); and 11 more; short protein forms I1859V, I2083V, I2170V, I1982V, I2013V, I2041V, I2051V, I2059V.
Identifiers: ClinVar variation 1753448 (VCV001753448.8), dbSNP rs1766209169, ClinGen allele CA16035391.

ClinVar aggregate classification (germline): Uncertain significance. Review status: criteria provided, multiple submitters, no conflicts (2 of 4 stars). 2 submissions from 2 submitters: Uncertain significance (2). Last evaluated 2025-03-27.

Conditions:
Hereditary cancer-predisposing syndrome. Also called: Neoplastic Syndromes, Hereditary; Tumor predisposition; Hereditary Cancer Syndrome; Hereditary neoplastic syndrome. Identifiers: Orphanet 140162, MedGen C0027672, MeSH D009386, MONDO:0015356.
Familial adenomatous polyposis 1 (FAP1). Also called: FAMILIAL ADENOMATOUS POLYPOSIS 1, ATTENUATED; POLYPOSIS, ADENOMATOUS INTESTINAL. Identifiers: MedGen C2713442, MONDO:0021056, OMIM 175100. Disease mechanism: loss of function.

Submissions (2):

Ambry Genetics
Classification: Uncertain significance for Hereditary cancer-predisposing syndrome. Last evaluated: 2025-03-27. Review status: criteria provided, single submitter. Criteria: Ambry Variant Classification Scheme 2023. Collection method: clinical testing. Allele origin: germline.
Comment: The p.I2142V variant (also known as c.6424A>G), located in coding exon 15 of the APC gene, results from an A to G substitution at nucleotide position 6424. The isoleucine at codon 2142 is replaced by valine, an amino acid with highly similar properties. This amino acid position is highly conserved in available vertebrate species. In addition, in silico predictors for this gene do not accurately predict pathogenicity. Missense alterations in APC are not a common cause of disease (Spier I et al. Genet Med. 2024 Feb;26(2):100992). Based on the available evidence, the clinical significance of this variant remains unclear.

Labcorp Genetics (formerly Invitae), Labcorp
Classification: Uncertain significance for Familial adenomatous polyposis 1. Last evaluated: 2022-03-26. Review status: criteria provided, single submitter. Criteria: Invitae Variant Classification Sherloc (09022015). Collection method: clinical testing. Allele origin: germline.
Comment: In summary, the available evidence is currently insufficient to determine the role of this variant in disease. Therefore, it has been classified as a Variant of Uncertain Significance. Algorithms developed to predict the effect of missense changes on protein structure and function (SIFT, PolyPhen-2, Align-GVGD) all suggest that this variant is likely to be tolerated. This variant has not been reported in the literature in individuals affected with APC-related conditions. This variant is not present in population databases (gnomAD no frequency). This sequence change replaces isoleucine, which is neutral and non-polar, with valine, which is neutral and non-polar, at codon 2142 of the APC protein (p.Ile2142Val).